The following is an entry in ClinVar:

NM_001844.5(COL2A1):c.3884G>A (p.Ser1295Asn)

Gene: COL2A1 (collagen type II alpha 1 chain; minus strand). Cytogenetic location: 12q13.11.
Variant type: single nucleotide variant.
Coding change: c.3884G>A on transcript NM_001844.5 (MANE Select); coding-DNA position 3884, G replaced by A.
Protein change: p.Ser1295Asn; replaces serine 1295 with asparagine.
Molecular consequence: missense variant.
Genome position (GRCh38, 1-based): chr12:47,975,319, C>T on the plus strand (G>A on the coding strand, the complement: COL2A1 is on the minus strand). VCF-style: chr12-47975319-C-T. GRCh37 (hg19) VCF-style: chr12-48369102-C-T.
Other names: c.3677G>A, p.Ser1226Asn (NM_033150.3); short protein forms S1226N, S1295N.
Identifiers: ClinVar variation 3343464 (VCV003343464.1).

ClinVar aggregate classification (germline): Uncertain significance (1 of 4 stars; one submission).

Submission:

GeneDx
Classification: Uncertain significance. Last evaluated: 2023-05-23. Review status: criteria provided, single submitter. Criteria: GeneDx Variant Classification Process June 2021. Collection method: clinical testing. Allele origin: germline. Affected: yes.
Comment: Not observed at significant frequency in large population cohorts (gnomAD); In silico analysis supports that this missense variant has a deleterious effect on protein structure/function; Not located in the triple helical region, where the majority of pathogenic missense variants occur (HGMD); Has not been previously published as pathogenic or benign to our knowledge